The following is an entry in ClinVar:

ClinVar aggregate classification (germline): Pathogenic (1 of 4 stars; one submission).

Conditions:
Charcot-Marie-Tooth disease type 4. Also called: Charcot-Marie-Tooth, Type 4; Charcot-Marie-Tooth disease, type IV. Identifiers: Orphanet 64749, MedGen C4082197, MONDO:0018995.

Submission:

Labcorp Genetics (formerly Invitae), Labcorp
Classification: Pathogenic for Charcot-Marie-Tooth disease type 4. Last evaluated: 2016-12-21. Review status: criteria provided, single submitter. Criteria: Invitae Variant Classification Sherloc (09022015). Collection method: clinical testing. Allele origin: germline.
Comment: This variant is a gross deletion of the genomic region encompassing exon 1 of the SH3TC2 gene, which includes the initiator codon. The 5' end of this event is unknown as it extends beyond the assayed region for this gene and therefore may encompass additional genes. The 3' boundary is likely confined to intron 1 of the SH3TC2 gene. This is expected to result in an absent or disrupted protein product. While this particular variant has not been reported in the literature, loss-of-function variants in SH3TC2 are known to be pathogenic (PMID: 14574644). For these reasons, this variant has been classified as Pathogenic.

NC_000005.10:g.(?_149062971)_(149063174_?)del

Genes: SH3TC2 (SH3 domain and tetratricopeptide repeats 2; minus strand), LOC114004390 (Sharpr-MPRA regulatory region 10809; plus strand). Cytogenetic location: 5q32.
Variant type: Deletion.
Identifiers: ClinVar variation 417400 (VCV000417400.1).